The following is an entry in ClinVar:

NM_002615.7(SERPINF1):c.997+82C>T

Gene: SERPINF1 (serpin family F member 1; plus strand). Cytogenetic location: 17p13.3.
Variant type: single nucleotide variant.
Coding change: c.997+82C>T on transcript NM_002615.7 (MANE Select); 82 bases into the intron after coding-DNA position 997, C replaced by T.
Molecular consequence: intron variant.
Genome position (GRCh38, 1-based): chr17:1,776,824, C>T. VCF-style: chr17-1776824-C-T. GRCh37 (hg19) VCF-style: chr17-1680118-C-T.
Other names: c.436+82C>T (NM_001329904.2, NM_001329905.2); c.997+82C>T (NM_001329903.2).
Identifiers: ClinVar variation 675157 (VCV000675157.2), dbSNP rs73295024, ClinGen allele CA286851659.

ClinVar aggregate classification (germline): Benign. Review status: criteria provided, multiple submitters, no conflicts (2 of 4 stars). 2 submissions from 2 submitters: Benign (2). Last evaluated 2018-06-16.

Allele frequency attached by ClinVar (database versions not stated): gnomAD 0.03643 and 0.03899; TOPMed 0.04175; 1000 Genomes Project 0.04433; 1000 Genomes Project 30x 0.04669.
gnomAD v4.1: 10,057 of 1,294,476 alleles (0.78%); highest among the groups gnomAD compares: African/African-American, 13%; 574 homozygotes.

Submissions (2):

GeneDx
Classification: Benign. Last evaluated: 2018-06-16. Review status: criteria provided, single submitter. Criteria: GeneDx Variant Classification (06012015). Collection method: clinical testing. Allele origin: germline. Affected: yes.
Comment: This variant is considered likely benign or benign based on one or more of the following criteria: it is a conservative change, it occurs at a poorly conserved position in the protein, it is predicted to be benign by multiple in silico algorithms, and/or has population frequency not consistent with disease.

Breakthrough Genomics
Classification: Benign. Review status: criteria provided, single submitter. Criteria: ACMG Guidelines, 2015. Collection method: not provided. Allele origin: germline. Inheritance: Autosomal recessive inheritance. Affected: yes.